The following is an entry in ClinVar:

NM_000548.5(TSC2):c.4520C>A (p.Ser1507Tyr)

Gene: TSC2 (TSC complex subunit 2; plus strand). Cytogenetic location: 16p13.3.
Variant type: single nucleotide variant.
Coding change: c.4520C>A on transcript NM_000548.5 (MANE Select); coding-DNA position 4520, C replaced by A.
Protein change: p.Ser1507Tyr; replaces serine 1507 with tyrosine.
Molecular consequence: missense variant.
Genome position (GRCh38, 1-based): chr16:2,084,977, C>A. VCF-style: chr16-2084977-C-A. GRCh37 (hg19) VCF-style: chr16-2134978-C-A.
Other names: c.4319C>A, p.Ser1440Tyr (NM_001077183.3); c.4451C>A, p.Ser1484Tyr (NM_001114382.3); c.4211C>A, p.Ser1404Tyr (NM_001318827.2); c.4175C>A, p.Ser1392Tyr (NM_001318829.2); c.3788C>A, p.Ser1263Tyr (NM_001318831.2); c.4352C>A, p.Ser1451Tyr (NM_001318832.2); c.4322C>A, p.Ser1441Tyr (NM_001363528.2); c.4388C>A, p.Ser1463Tyr (NM_001370404.1); and 1 more; short protein forms S1507Y, S1440Y, S1263Y, S1392Y, S1404Y, S1441Y, S1463Y, S1464Y.
Identifiers: ClinVar variation 535877 (VCV000535877.16), dbSNP rs746246149, ClinGen allele CA051496.
Genomic context (GRCh38, chr16:2,084,977, plus strand): 5'-TCACCTGGGTGCCCACCATCCCCTCCCTGTGCAGTTTCGTGTTCCTGCAGCTCTACCATT[C>A]CCCCTTCTTTGGCGACGAGTCAAACAAGCCAATCCTGCTGCCCAATGAGGTAGGCGTGGC-3'
Protein context (NP_000539.2, residues 1497-1517): PSFVFLQLYH[Ser1507Tyr]PFFGDESNKP

ClinVar aggregate classification (germline): Conflicting classifications of pathogenicity. Review status: criteria provided, conflicting classifications (1 of 4 stars). 5 submissions from 5 submitters: Uncertain significance (2); Likely benign (3). Last evaluated 2026-01-31.

Conditions:
Hereditary cancer-predisposing syndrome. Also called: Neoplastic Syndromes, Hereditary; Hereditary neoplastic syndrome; Tumor predisposition; Hereditary Cancer Syndrome. Identifiers: Orphanet 140162, MedGen C0027672, MeSH D009386, MONDO:0015356.
Tuberous sclerosis syndrome (TSC). Also called: Tuberous Sclerosis Complex; Tuberous sclerosis. Identifiers: Orphanet 805, MedGen C0041341, MONDO:0001734.
Tuberous sclerosis 2 (TSC2). Identifiers: Orphanet 805, MedGen C1860707, MONDO:0013199, OMIM 613254.

Allele frequency attached by ClinVar (database versions not stated): ExAC 0.00002; TOPMed 0.00002.
gnomAD v4.1: 17 of 1,613,238 alleles (0.0011%); highest among the groups gnomAD compares: African/African-American, 0.017%; no homozygotes.

Submissions (5):

Labcorp Genetics (formerly Invitae), Labcorp
Classification: Likely benign for Tuberous sclerosis 2. Last evaluated: 2026-01-31. Review status: criteria provided, single submitter. Criteria: Invitae Variant Classification Sherloc (09022015). Collection method: clinical testing. Allele origin: germline.

Color Diagnostics, LLC DBA Color Health
Classification: Uncertain significance for Tuberous sclerosis syndrome. Last evaluated: 2025-12-08. Review status: criteria provided, single submitter. Criteria: ACMG Guidelines, 2015. Collection method: clinical testing. Allele origin: germline.
Comment: This missense variant replaces serine with tyrosine at codon 1507 of the TSC2 protein. Computational prediction suggests that this variant may have deleterious impact on protein structure and function. To our knowledge, functional studies have not been reported for this variant. This variant has not been reported in individuals affected with tuberous sclerosis complex in the literature. This variant has been identified in 5/281762 chromosomes in the general population by the Genome Aggregation Database (gnomAD). The available evidence is insufficient to determine the role of this variant in disease conclusively. Therefore, this variant is classified as a Variant of Uncertain Significance.

Myriad Genetics, Inc.
Classification: Likely benign for Tuberous sclerosis 2. Last evaluated: 2024-08-20. Review status: criteria provided, single submitter. Criteria: Myriad Autosomal Dominant, Autosomal Recessive and X-Linked Classification Criteria (2023). Collection method: clinical testing. Allele origin: unknown.
Comment: This variant is considered likely benign. This variant has been observed at a population frequency that is significantly greater than expected given the associated disease prevalence and penetrance.

All of Us Research Program, National Institutes of Health
Classification: Uncertain significance for Tuberous sclerosis syndrome. Last evaluated: 2023-12-18. Review status: criteria provided, single submitter. Criteria: ACMG Guidelines, 2015. Collection method: clinical testing. Allele origin: germline. Inheritance: Autosomal dominant inheritance. Observed: 1 variant allele, 1 heterozygote.
Comment: This missense variant replaces serine with tyrosine at codon 1507 of the TSC2 protein. Computational prediction suggests that this variant may have deleterious impact on protein structure and function (internally defined REVEL score threshold >= 0.7, PMID: 27666373). To our knowledge, functional studies have not been reported for this variant. This variant has not been reported in individuals affected with tuberous sclerosis complex in the literature. This variant has been identified in 5/281762 chromosomes in the general population by the Genome Aggregation Database (gnomAD). The available evidence is insufficient to determine the role of this variant in disease conclusively. Therefore, this variant is classified as a Variant of Uncertain Significance.

This study involves interpretation of variants in research participants for the purpose of population health screening. Participant phenotype was not available at the time of variant classification. Additional details can be found in publication PMID: 35346344, PMCID: PMC8962531

Ambry Genetics
Classification: Likely benign for Hereditary cancer-predisposing syndrome. Last evaluated: 2021-08-26. Review status: criteria provided, single submitter. Criteria: Ambry Variant Classification Scheme 2023. Collection method: clinical testing. Allele origin: germline.